The following is an entry in ClinVar:

ClinVar aggregate classification (germline): Pathogenic (1 of 4 stars; one submission).

Submission:

Labcorp Genetics (formerly Invitae), Labcorp
Classification: Pathogenic. Last evaluated: 2023-08-05. Review status: criteria provided, single submitter. Criteria: Invitae Variant Classification Sherloc (09022015). Collection method: clinical testing. Allele origin: germline.
Comment: This variant has not been reported in the literature in individuals affected with TG-related conditions. For these reasons, this variant has been classified as Pathogenic. This variant is not present in population databases (gnomAD no frequency). This sequence change creates a premature translational stop signal (p.Ser1756Argfs*25) in the TG gene. It is expected to result in an absent or disrupted protein product. Loss-of-function variants in TG are known to be pathogenic (PMID: 19837936, 23164529).

Literature cited by the submitters: PubMed 19837936; PubMed 23164529.

NM_003235.5(TG):c.5268del (p.Ser1756fs)

Gene: TG (thyroglobulin; plus strand). Cytogenetic location: 8q24.22.
Variant type: Deletion.
Coding change: c.5268del on transcript NM_003235.5 (MANE Select); coding-DNA position 5268, one base deleted (T; older notation c.5268delT).
Protein change: p.Ser1756fs; shifts the reading frame from serine 1756.
Molecular consequence: frameshift variant.
Genome position (GRCh38, 1-based): chr8:132,948,810, T deleted. VCF-style (leftmost placement, unchanged base first): chr8-132948809-GT-G. GRCh37 (hg19) VCF-style: chr8-133961054-GT-G.
Other names: short protein forms S1756fs.
Identifiers: ClinVar variation 2750468 (VCV002750468.3), dbSNP rs2490752550, ClinGen allele CA2697550137.